The following is an entry in ClinVar:

ClinVar aggregate classification (germline): Conflicting classifications of pathogenicity. Review status: criteria provided, conflicting classifications (1 of 4 stars). 3 submissions from 3 submitters: Uncertain significance (2); Likely benign (1). Last evaluated 2025-09-14.

Conditions:
Hereditary cancer-predisposing syndrome. Also called: Hereditary neoplastic syndrome; Neoplastic Syndromes, Hereditary; Tumor predisposition; Hereditary Cancer Syndrome. Identifiers: Orphanet 140162, MedGen C0027672, MeSH D009386, MONDO:0015356.
Neuroblastoma, susceptibility to, 3. Also called: ALK-Related Neuroblastic Tumor Susceptibility. Identifiers: Orphanet 635, MedGen C2751681, MONDO:0013083, OMIM 613014.

Allele frequency attached by ClinVar (database versions not stated): gnomAD exomes below 0.00001; ExAC 0.00001.
gnomAD v4.1: 3 of 1,614,168 alleles (0.00019%); highest among the groups gnomAD compares: Non-Finnish European, 0.00025%; no homozygotes.

Submissions (3):

Labcorp Genetics (formerly Invitae), Labcorp
Classification: Uncertain significance for Neuroblastoma, susceptibility to, 3. Last evaluated: 2025-09-14. Review status: criteria provided, single submitter. Criteria: Invitae Variant Classification Sherloc (09022015). Collection method: clinical testing. Allele origin: germline.
Comment: This sequence change replaces glycine, which is neutral and non-polar, with glutamic acid, which is acidic and polar, at codon 410 of the ALK protein (p.Gly410Glu). This variant is present in population databases (rs760717114, gnomAD 0.0009%). This variant has not been reported in the literature in individuals affected with ALK-related conditions. ClinVar contains an entry for this variant (Variation ID: 1022941). An algorithm developed to predict the effect of missense changes on protein structure and function (PolyPhen-2) suggests that this variant is likely to be disruptive. In summary, the available evidence is currently insufficient to determine the role of this variant in disease. Therefore, it has been classified as a Variant of Uncertain Significance.

Ambry Genetics
Classification: Likely benign for Hereditary cancer-predisposing syndrome. Last evaluated: 2025-03-26. Review status: criteria provided, single submitter. Criteria: Ambry Variant Classification Scheme 2023. Collection method: clinical testing. Allele origin: germline.

GeneDx
Classification: Uncertain significance. Last evaluated: 2021-05-24. Review status: criteria provided, single submitter. Criteria: GeneDx Variant Classification Process June 2021. Collection method: clinical testing. Allele origin: germline. Affected: yes.
Comment: Not observed at significant frequency in large population cohorts (Lek et al., 2016); In silico analysis supports that this missense variant does not alter protein structure/function; Has not been previously published as pathogenic or benign to our knowledge

NM_004304.5(ALK):c.1229G>A (p.Gly410Glu)

Gene: ALK (ALK receptor tyrosine kinase; minus strand). Cytogenetic location: 2p23.2.
Variant type: single nucleotide variant.
Coding change: c.1229G>A on transcript NM_004304.5 (MANE Select); coding-DNA position 1229, G replaced by A.
Protein change: p.Gly410Glu; replaces glycine 410 with glutamic acid.
Molecular consequence: missense variant.
Genome position (GRCh38, 1-based): chr2:29,383,785, C>T on the plus strand (G>A on the coding strand, the complement: ALK is on the minus strand). VCF-style: chr2-29383785-C-T. GRCh37 (hg19) VCF-style: chr2-29606651-C-T.
Other names: short protein forms G410E.
Identifiers: ClinVar variation 1022941 (VCV001022941.11), dbSNP rs760717114, ClinGen allele CA1594715.